The following is an entry in ClinVar:

ClinVar aggregate classification (germline): Conflicting classifications of pathogenicity. Review status: criteria provided, conflicting classifications (1 of 4 stars). 3 submissions from 3 submitters: Uncertain significance (2); Likely benign (1). Last evaluated 2025-05-23.

Conditions:
Branchiootorenal syndrome 2 (BOR2). Identifiers: Orphanet 107, MedGen C1970479, MONDO:0012575, OMIM 610896.

Allele frequency attached by ClinVar (database versions not stated): gnomAD 0.00001; ExAC 0.00010.

Submissions (3):

Ambry Genetics
Classification: Uncertain significance. Last evaluated: 2025-05-23. Review status: criteria provided, single submitter. Criteria: Ambry Variant Classification Scheme 2023. Collection method: clinical testing. Allele origin: germline.

Labcorp Genetics (formerly Invitae), Labcorp
Classification: Uncertain significance. Last evaluated: 2024-05-20. Review status: criteria provided, single submitter. Criteria: Invitae Variant Classification Sherloc (09022015). Collection method: clinical testing. Allele origin: germline.
Comment: This sequence change replaces alanine, which is neutral and non-polar, with glutamic acid, which is acidic and polar, at codon 18 of the SIX5 protein (p.Ala18Glu). The frequency data for this variant in the population databases is considered unreliable, as metrics indicate poor data quality at this position in the gnomAD database. This variant has not been reported in the literature in individuals affected with SIX5-related conditions. Experimental studies and prediction algorithms are not available or were not evaluated, and the functional significance of this variant is currently unknown. In summary, the available evidence is currently insufficient to determine the role of this variant in disease. Therefore, it has been classified as a Variant of Uncertain Significance.

Fulgent Genetics
Classification: Likely benign for Branchiootorenal syndrome 2. Last evaluated: 2024-03-12. Review status: criteria provided, single submitter. Criteria: ACMG Guidelines, 2015. Collection method: clinical testing. Allele origin: germline.

NM_175875.5(SIX5):c.53C>A (p.Ala18Glu)

Genes: DM1-AS (DM1 locus antisense RNA; plus strand), SIX5 (SIX homeobox 5; minus strand), LOC107075317 (origin of replication in DMPK trinucleotide repeat region; plus strand). Cytogenetic location: 19q13.32.
Variant type: single nucleotide variant.
Coding change: c.53C>A on transcript NM_175875.5 (MANE Select); coding-DNA position 53, C replaced by A.
Protein change: p.Ala18Glu; replaces alanine 18 with glutamic acid.
Molecular consequence: missense variant.
Genome position (GRCh38, 1-based): chr19:45,768,792, G>T on the plus strand (C>A on the coding strand, the complement: SIX5 is on the minus strand). VCF-style: chr19-45768792-G-T. GRCh37 (hg19) VCF-style: chr19-46272050-G-T.
Other names: c.53C>A (NM_175875.4); short protein forms A18E.
Identifiers: ClinVar variation 2987410 (VCV002987410.5), dbSNP rs766034818, ClinGen allele CA9520873.
Genomic context (GRCh38, chr19:45,768,792, plus strand): 5'-GTCTGCAAGAGCTGGCGCGCTTCCTCCTCCTCCTCTTCGGTCGCCGCCGCCGCCGCCACC[G>T]CCTCCCCCCCAGCCGCCGGCCCCGCGCTCGGCTCCGCAGGCAAGGTAGCCATGTTTTGCA-3'
Protein context (NP_787071.3, residues 8-28): PSAGPAAGGE[Ala18Glu]VAAAAATEEE